The following is an entry in ClinVar:

ClinVar aggregate classification (germline): Uncertain significance (1 of 4 stars; one submission).

Conditions:
Inborn genetic diseases. Identifiers: MedGen C0950123, MeSH D030342.

Submission:

Ambry Genetics
Classification: Uncertain significance for Inborn genetic diseases. Last evaluated: 2024-11-02. Review status: criteria provided, single submitter. Criteria: Ambry Variant Classification Scheme 2023. Collection method: clinical testing. Allele origin: germline.
Comment: The p.P340T variant (also known as c.1018C>A), located in coding exon 9 of the ACD gene, results from a C to A substitution at nucleotide position 1018. The proline at codon 340 is replaced by threonine, an amino acid with highly similar properties. This amino acid position is conserved. In addition, this alteration is predicted to be tolerated by in silico analysis. Based on the available evidence, the clinical significance of this variant remains unclear.

NM_001082486.2(ACD):c.760C>A (p.Pro254Thr)

Gene: ACD (ACD shelterin complex subunit and telomerase recruitment factor; minus strand). Cytogenetic location: 16q22.1.
Variant type: single nucleotide variant.
Coding change: c.760C>A on transcript NM_001082486.2 (MANE Select); coding-DNA position 760, C replaced by A.
Protein change: p.Pro254Thr; replaces proline 254 with threonine.
Molecular consequence: missense variant. On other transcripts: intron variant (1).
Genome position (GRCh38, 1-based): chr16:67,658,624, G>T on the plus strand (C>A on the coding strand, the complement: ACD is on the minus strand). VCF-style: chr16-67658624-G-T. GRCh37 (hg19) VCF-style: chr16-67692527-G-T.
Other names: c.751C>A, p.Pro251Thr (NM_022914.3); c.742+96C>A (NM_001410884.1); short protein forms P251T, P254T.
Identifiers: ClinVar variation 3480506 (VCV003480506.1).